The following is an entry in ClinVar:

NM_018297.4(NGLY1):c.270del (p.Ala93fs)

Gene: NGLY1 (N-glycanase 1; minus strand). Cytogenetic location: 3p24.2.
Variant type: Deletion.
Coding change: c.270del on transcript NM_018297.4 (MANE Select); coding-DNA position 270, one base deleted (T; older notation c.270delT).
Protein change: p.Ala93fs; shifts the reading frame from alanine 93.
Molecular consequence: frameshift variant.
Genome position (GRCh38, 1-based): chr3:25,764,288, A deleted on the plus strand (T on the coding strand, the reverse complement: NGLY1 is on the minus strand). VCF-style (leftmost placement, unchanged base first): chr3-25764287-TA-T. GRCh37 (hg19) VCF-style: chr3-25805778-TA-T.
Other names: c.270del, p.Ala93fs (NM_001145293.2, NM_001145295.2); c.144del, p.Ala51fs (NM_001145294.2); short protein forms A93fs, A51fs.
Identifiers: ClinVar variation 2837804 (VCV002837804.3), dbSNP rs2470675573, ClinGen allele CA2739279417.
Genomic context (GRCh38, chr3:25,764,287, plus strand): 5'-TACTTCTCTCTATGGCAATCAGGTCACGAATTTTTTGCAGCTGCTCCACTGAAGCTTTTT[TA>T]GGAAAGATGAGATGTGTTTCTCCCTGGAATTTATAAAATTAAAAAAAATGTGAACCTTTG-3'

ClinVar aggregate classification (germline): Pathogenic (1 of 4 stars; one submission).

Conditions:
Congenital disorder of deglycosylation (CDDG). Identifiers: MedGen C3808991, MONDO:0031376.

Submission:

Labcorp Genetics (formerly Invitae), Labcorp
Classification: Pathogenic for Congenital disorder of deglycosylation. Last evaluated: 2023-02-16. Review status: criteria provided, single submitter. Criteria: Invitae Variant Classification Sherloc (09022015). Collection method: clinical testing. Allele origin: germline.
Comment: This sequence change creates a premature translational stop signal (p.Ala93Leufs*12) in the NGLY1 gene. It is expected to result in an absent or disrupted protein product. Loss-of-function variants in NGLY1 are known to be pathogenic (PMID: 24651605). This variant is not present in population databases (gnomAD no frequency). This variant has not been reported in the literature in individuals affected with NGLY1-related conditions. For these reasons, this variant has been classified as Pathogenic.

Literature cited by the submitters: PubMed 24651605.